The following is an entry in ClinVar:

NM_002180.3(IGHMBP2):c.1110C>T (p.Asp370=)

Gene: IGHMBP2 (immunoglobulin mu DNA binding protein 2; plus strand). Cytogenetic location: 11q13.3.
Variant type: single nucleotide variant.
Coding change: c.1110C>T on transcript NM_002180.3 (MANE Select); coding-DNA position 1110, C replaced by T.
Protein change: p.Asp370=; no amino-acid change (aspartic acid 370 retained).
Molecular consequence: synonymous variant.
Genome position (GRCh38, 1-based): chr11:68,929,232, C>T. VCF-style: chr11-68929232-C-T. GRCh37 (hg19) VCF-style: chr11-68696700-C-T.
Identifiers: ClinVar variation 1114476 (VCV001114476.10), dbSNP rs749110357, ClinGen allele CA223405711.

ClinVar aggregate classification (germline): Likely benign. Review status: criteria provided, multiple submitters, no conflicts (2 of 4 stars). 2 submissions from 2 submitters: Likely benign (2). Last evaluated 2026-09-01.

Conditions:
Autosomal recessive distal spinal muscular atrophy 1. Also called: NEURONOPATHY, SEVERE INFANTILE AXONAL, WITH RESPIRATORY FAILURE; SEVERE INFANTILE AXONAL NEUROPATHY WITH RESPIRATORY FAILURE; SPINAL MUSCULAR ATROPHY, DIAPHRAGMATIC; Spinal muscular atrophy with respiratory distress 1; NEURONOPATHY, DISTAL HEREDITARY MOTOR, HARDING TYPE VI; NEUROPATHY, DISTAL HEREDITARY MOTOR, AUTOSOMAL RECESSIVE 1. Identifiers: Orphanet 98920, MedGen C1858517, MONDO:0011436, OMIM 604320.
Charcot-Marie-Tooth disease axonal type 2S. Also called: CHARCOT-MARIE-TOOTH NEUROPATHY, TYPE 2S; CHARCOT-MARIE-TOOTH DISEASE, AXONAL, AUTOSOMAL RECESSIVE, TYPE 2S. Identifiers: Orphanet 443073, MedGen C4015349, MONDO:0014511, OMIM 616155.

Allele frequency attached by ClinVar (database versions not stated): gnomAD 0.00002; TOPMed 0.00003; gnomAD exomes 0.00001.

Submissions (2):

CeGaT Center for Human Genetics Tuebingen
Classification: Likely benign. Last evaluated: 2026-09-01. Review status: criteria provided, single submitter. Criteria: CeGaT Center For Human Genetics Tuebingen Variant Classification Criteria Version 2. Collection method: clinical testing. Allele origin: germline. Affected: yes. Observed: 1 variant allele.
Comment: IGHMBP2: BP4, BP7

Labcorp Genetics (formerly Invitae), Labcorp
Classification: Likely benign for Autosomal recessive distal spinal muscular atrophy 1; Charcot-Marie-Tooth disease axonal type 2S. Last evaluated: 2024-06-18. Review status: criteria provided, single submitter. Criteria: Invitae Variant Classification Sherloc (09022015). Collection method: clinical testing. Allele origin: germline.